The following is an entry in ClinVar:

ClinVar aggregate classification (germline): Pathogenic (1 of 4 stars; one submission).

Submission:

GeneDx
Classification: Pathogenic. Last evaluated: 2018-02-08. Review status: criteria provided, single submitter. Criteria: GeneDx Variant Classification (06012015). Collection method: clinical testing. Allele origin: germline. Affected: yes.
Comment: The c.707_708delCT variant in the POC1A gene has not been reported previously as a pathogenic variant nor as a benign variant, to our knowledge. The c.707_708delCT variant causes a frameshift starting with codon Serine 236, changes this amino acid to a Phenylalanine residue, and creates a premature Stop codon at position 14 of the new reading frame, denoted p.Ser236PhefsX14. This variant is predicted to cause loss of normal protein function either through protein truncation or nonsense-mediated mRNA decay. The c.707_708delCT variant is not observed at a significant frequency in large population cohorts (Lek et al., 2016). We interpret c.707_708delCT as a pathogenic variant.

NM_015426.5(POC1A):c.707_708del (p.Ser236fs)

Gene: POC1A (POC1 centriolar protein A; minus strand). Cytogenetic location: 3p21.2.
Variant type: Microsatellite.
Coding change: c.707_708del on transcript NM_015426.5 (MANE Select); coding-DNA positions 707 to 708, 2 bases deleted (CT; older notation c.707_708delCT).
Protein change: p.Ser236fs; shifts the reading frame from serine 236.
Molecular consequence: frameshift variant.
Genome position (GRCh38, 1-based): chr3:52,138,274-52,138,275, AG deleted on the plus strand (CT on the coding strand, the reverse complement: POC1A is on the minus strand); deleting any 2 consecutive bases within chr3:52,138,274-52,138,279 gives the same sequence; the c. name uses the placement nearest the transcript's 3' end. VCF-style (leftmost placement, unchanged base first): chr3-52138273-AAG-A. GRCh37 (hg19) VCF-style: chr3-52172289-AAG-A.
Other names: c.707_708del, p.Ser236fs (NM_001161580.2); c.593_594del, p.Ser198fs (NM_001161581.2); short protein forms S236fs, S198fs.
Identifiers: ClinVar variation 504327 (VCV000504327.2), dbSNP rs772586602, ClinGen allele CA2429517.
Genomic context (GRCh38, chr3:52,138,273, plus strand): 5'-CCAGGATCTTCAGGGTTGAGTCACTGGAGGCTGTGATCAGGTAGTTTCCCGACGGGTGGA[AAG>A]AGAGCCCGTTCACTGCTGCACTGTGCACTGGGGGAAGGACATCAGTCAGGTGCTGGCTAG-3'